The following is an entry in ClinVar:

ClinVar aggregate classification (germline): Benign/Likely benign. Review status: criteria provided, multiple submitters, no conflicts (2 of 4 stars). 10 submissions from 10 submitters: Benign (2); Likely benign (7). 1 of the submissions does not count toward it. Last evaluated 2026-05-01.

Conditions:
DICER1-related disorder. Also called: DICER1-related condition.
DICER1-related tumor predisposition. Also called: DICER1 syndrome; DICER1-related pleuropulmonary blastoma cancer predisposition syndrome. Identifiers: Orphanet 284343, MedGen C3839822, MONDO:0100216.
Hereditary cancer-predisposing syndrome. Also called: Tumor predisposition; Hereditary Cancer Syndrome; Neoplastic Syndromes, Hereditary; Hereditary neoplastic syndrome. Identifiers: Orphanet 140162, MedGen C0027672, MeSH D009386, MONDO:0015356.

Allele frequency attached by ClinVar (database versions not stated): TOPMed 0.00008; ExAC 0.00015; gnomAD 0.00015; gnomAD exomes 0.00017 and 0.00018.
gnomAD v4.1: 280 of 1,614,016 alleles (0.017%); highest among the groups gnomAD compares: Non-Finnish European, 0.018%; no homozygotes.

Submissions (10):

CeGaT Center for Human Genetics Tuebingen
Classification: Likely benign. Last evaluated: 2026-05-01. Review status: criteria provided, single submitter. Criteria: CeGaT Center For Human Genetics Tuebingen Variant Classification Criteria Version 2. Collection method: clinical testing. Allele origin: germline. Affected: yes. Observed: 4 variant alleles.
Comment: DICER1: BP4, BP7

Myriad Genetics, Inc.
Classification: Benign for DICER1-related tumor predisposition. Last evaluated: 2026-04-17. Review status: criteria provided, single submitter. Criteria: Myriad Autosomal Dominant, Autosomal Recessive and X-Linked Classification Criteria (2023). Collection method: clinical testing. Allele origin: unknown.
Comment: This variant is considered benign. This variant is a silent/synonymous amino acid change and it is not expected to impact splicing.

Labcorp Genetics (formerly Invitae), Labcorp
Classification: Benign for DICER1-related tumor predisposition. Last evaluated: 2026-01-20. Review status: criteria provided, single submitter. Criteria: Invitae Variant Classification Sherloc (09022015). Collection method: clinical testing. Allele origin: germline.

Center for Genomic Medicine, Rigshospitalet, Copenhagen University Hospital
Classification: Likely benign. Last evaluated: 2025-03-04. Review status: criteria provided, single submitter. Criteria: ACMG Guidelines, 2015. Collection method: clinical testing. Allele origin: germline.

Hereditary Cancer Group, L’Institut d'Investigació Biomèdica de Bellvitge
Classification: Likely benign for Hereditary cancer-predisposing syndrome. Last evaluated: 2024-12-19. Review status: criteria provided, single submitter. Criteria: Hatton et al. (Hum Mutat. 2023). Collection method: clinical testing. Allele origin: germline. Inheritance: Autosomal dominant inheritance. Affected: yes.
Comment: BS1, BP4

Blueprint Genetics
Classification: Likely benign. Last evaluated: 2024-06-24. Review status: criteria provided, single submitter. Criteria: ACMG Guidelines, 2015. Collection method: clinical testing. Allele origin: germline.

ARUP Laboratories, Molecular Genetics and Genomics, ARUP Laboratories
Classification: Likely benign. Last evaluated: 2023-10-23. Review status: criteria provided, single submitter. Criteria: ARUP Molecular Germline Variant Investigation Process 2024. Collection method: clinical testing. Allele origin: germline.

Sema4
Classification: Likely benign for Hereditary cancer-predisposing syndrome. Last evaluated: 2021-05-30. Review status: criteria provided, single submitter. Criteria: Sema4 Curation Guidelines. Collection method: curation. Allele origin: germline.

Ambry Genetics
Classification: Likely benign for Hereditary cancer-predisposing syndrome. Last evaluated: 2017-04-03. Review status: criteria provided, single submitter. Criteria: Ambry Variant Classification Scheme 2023. Collection method: clinical testing. Allele origin: germline.

PreventionGenetics, part of Exact Sciences
Classification: Likely benign for DICER1-related condition. Last evaluated: 2024-07-26. Review status: no assertion criteria provided. Collection method: clinical testing. Allele origin: germline. Not counted in ClinVar's aggregate classification.
Comment: This variant is classified as likely benign based on ACMG/AMP sequence variant interpretation guidelines (Richards et al. 2015 PMID: 25741868, with internal and published modifications).

NM_177438.3(DICER1):c.3792G>A (p.Thr1264=)

Gene: DICER1 (dicer 1, ribonuclease III; minus strand). Cytogenetic location: 14q32.13.
Variant type: single nucleotide variant.
Coding change: c.3792G>A on transcript NM_177438.3 (MANE Select); coding-DNA position 3792, G replaced by A.
Protein change: p.Thr1264=; no amino-acid change (threonine 1264 retained).
Molecular consequence: synonymous variant.
Genome position (GRCh38, 1-based): chr14:95,103,604, C>T on the plus strand (G>A on the coding strand, the complement: DICER1 is on the minus strand). VCF-style: chr14-95103604-C-T. GRCh37 (hg19) VCF-style: chr14-95569941-C-T.
Other names: c.3792G>A, p.Thr1264= (NM_001195573.1, NM_001271282.3, NM_001291628.2 and 1 more transcripts).
Identifiers: ClinVar variation 242091 (VCV000242091.45), dbSNP rs778862635, ClinGen allele CA7330988.